The following is an entry in ClinVar:

ClinVar aggregate classification (germline): Uncertain significance (1 of 4 stars; one submission).

Conditions:
SCLT1-related disorder. Also called: SCLT1-related condition.

Submission:

PreventionGenetics, part of Exact Sciences
Classification: Uncertain significance for SCLT1-related condition. Last evaluated: 2025-03-13. Review status: criteria provided, single submitter. Criteria: ACMG Guidelines, 2015. Collection method: clinical testing. Allele origin: germline.
Comment: The SCLT1 c.750A>T variant is predicted to result in the amino acid substitution p.Glu250Asp. To our knowledge, this variant has not been reported in the literature or in a large population database (gnomAD), indicating this variant is rare. At this time, the clinical significance of this variant is uncertain due to the absence of conclusive functional and genetic evidence.

NM_144643.4(SCLT1):c.750A>T (p.Glu250Asp)

Gene: SCLT1 (sodium channel and clathrin linker 1; minus strand). Cytogenetic location: 4q28.2.
Variant type: single nucleotide variant.
Coding change: c.750A>T on transcript NM_144643.4 (MANE Select); coding-DNA position 750, A replaced by T.
Protein change: p.Glu250Asp; replaces glutamic acid 250 with aspartic acid.
Molecular consequence: missense variant.
Genome position (GRCh38, 1-based): chr4:128,970,405, T>A on the plus strand (A>T on the coding strand, the complement: SCLT1 is on the minus strand). VCF-style: chr4-128970405-T-A. GRCh37 (hg19) VCF-style: chr4-129891560-T-A.
Other names: c.750A>T, p.Glu250Asp (NM_001410807.1); short protein forms E250D.
Identifiers: ClinVar variation 5001858 (VCV005001858.1).